The following is an entry in ClinVar:

NM_152618.3(BBS12):c.337_339del (p.Val113del)

Gene: BBS12 (Bardet-Biedl syndrome 12; plus strand). Cytogenetic location: 4q27.
Variant type: Deletion.
Coding change: c.337_339del on transcript NM_152618.3 (MANE Select); coding-DNA positions 337 to 339, 3 bases deleted (GTA; older notation c.337_339delGTA).
Protein change: p.Val113del; deletes valine 113.
Molecular consequence: inframe deletion.
Genome position (GRCh38, 1-based): chr4:122,742,229-122,742,231, GTA deleted; deleting any 3 consecutive bases within chr4:122,742,227-122,742,231 gives the same sequence; the c. name uses the placement nearest the transcript's 3' end. VCF-style (leftmost placement, unchanged base first): chr4-122742226-ATAG-A. GRCh37 (hg19) VCF-style: chr4-123663381-ATAG-A.
Other names: c.337_339del (NM_152618.2); c.337_339del, p.Val113del (NM_001178007.2); short protein forms V113del.
Identifiers: ClinVar variation 1148 (VCV000001148.2), dbSNP rs587777801, ClinGen allele CA251708.

ClinVar aggregate classification (germline): Likely pathogenic. Review status: criteria provided, single submitter (1 of 4 stars). 2 submissions from 2 submitters: Likely pathogenic (1). 1 of the submissions does not count toward it. Last evaluated 2024-05-20.

Conditions:
Bardet-Biedl syndrome 12 (BBS12). Identifiers: Orphanet 110, MedGen C1859570, MONDO:0014440, OMIM 615989.

Submissions (2):

Natera, Inc.
Classification: Likely pathogenic for Bardet-Biedl syndrome type 12. Last evaluated: 2024-05-20. Review status: criteria provided, single submitter. Criteria: Natera Variant Classification Schema (03/2026). Collection method: clinical testing. Allele origin: germline.
Comment: The c.337_339del variant in BBS12 is an in-frame deletion predicted to remove valine at amino acid 113 while preserving the reading frame. This variant is rare in the general population with a frequency below the threshold expected for the associated phenotype(s). This variant has been observed in one or more individuals affected with the associated recessive disease, as either homozygous or compound heterozygous with a second variant (PMID: 17160889). This variant results in a change to the protein length while preserving reading frame, which may disrupt normal protein structure or function. Given the available evidence, this variant is classified as Likely Pathogenic.

OMIM
Classification: Pathogenic for BARDET-BIEDL SYNDROME 12. Last evaluated: 2007-01-01. Review status: no assertion criteria provided. Collection method: literature only. Allele origin: germline. Not counted in ClinVar's aggregate classification.

Literature cited by the submitters: PubMed 17160889 (cited by Natera, Inc. and OMIM).